The following is an entry in ClinVar:

NM_001164508.2(NEB):c.11575C>T (p.Arg3859Trp)

Gene: NEB (nebulin; minus strand). Cytogenetic location: 2q23.3.
Variant type: single nucleotide variant.
Coding change: c.11575C>T on transcript NM_001164508.2 (MANE Select); coding-DNA position 11575, C replaced by T.
Protein change: p.Arg3859Trp; replaces arginine 3859 with tryptophan.
Molecular consequence: missense variant.
Genome position (GRCh38, 1-based): chr2:151,614,302, G>A on the plus strand (C>T on the coding strand, the complement: NEB is on the minus strand). VCF-style: chr2-151614302-G-A. GRCh37 (hg19) VCF-style: chr2-152470816-G-A.
Other names: c.11575C>T, p.Arg3859Trp (NM_001164507.2, NM_001271208.2); c.10846C>T, p.Arg3616Trp (NM_004543.5); c.10846C>T (NM_004543.4); short protein forms R3859W, R3616W.
Identifiers: ClinVar variation 451653 (VCV000451653.15), dbSNP rs562669490, ClinGen allele CA1908731.

ClinVar aggregate classification (germline): Uncertain significance. Review status: criteria provided, multiple submitters, no conflicts (2 of 4 stars). 5 submissions from 5 submitters: Uncertain significance (4). 1 of the submissions does not count toward it. Last evaluated 2024-10-11.

Conditions:
Inborn genetic diseases. Identifiers: MedGen C0950123, MeSH D030342.
Nemaline myopathy 2 (NEM2). Also called: Nemaline myopathy 2, autosomal recessive. Identifiers: MedGen C1850569, MONDO:0009725, OMIM 256030.

Allele frequency attached by ClinVar (database versions not stated): ExAC 0.00002; gnomAD exomes 0.00002 and 0.00003; TOPMed 0.00002; 1000 Genomes Project 0.00020; 1000 Genomes Project 30x 0.00031.
gnomAD v4.1: 39 of 1,613,792 alleles (0.0024%); highest among the groups gnomAD compares: South Asian, 0.0033%; no homozygotes.

Submissions (5):

Ambry Genetics
Classification: Uncertain significance for Inborn genetic diseases. Last evaluated: 2024-10-11. Review status: criteria provided, single submitter. Criteria: Ambry Variant Classification Scheme 2023. Collection method: clinical testing. Allele origin: germline.

Labcorp Genetics (formerly Invitae), Labcorp
Classification: Uncertain significance for Nemaline myopathy 2. Last evaluated: 2021-08-30. Review status: criteria provided, single submitter. Criteria: Invitae Variant Classification Sherloc (09022015). Collection method: clinical testing. Allele origin: germline.
Comment: This sequence change replaces arginine with tryptophan at codon 3859 of the NEB protein (p.Arg3859Trp). The arginine residue is moderately conserved and there is a moderate physicochemical difference between arginine and tryptophan. This variant is present in population databases (rs562669490, ExAC 0.009%). This variant has not been reported in the literature in individuals affected with NEB-related conditions. ClinVar contains an entry for this variant (Variation ID: 451653). Algorithms developed to predict the effect of missense changes on protein structure and function are either unavailable or do not agree on the potential impact of this missense change (SIFT: "Deleterious"; PolyPhen-2: "Not Available"; Align-GVGD: "Class C0"). In summary, the available evidence is currently insufficient to determine the role of this variant in disease. Therefore, it has been classified as a Variant of Uncertain Significance.

Blueprint Genetics
Classification: Uncertain significance. Last evaluated: 2021-07-05. Review status: criteria provided, single submitter. Criteria: ACMG Guidelines, 2015. Collection method: clinical testing. Allele origin: germline.

GeneDx
Classification: Uncertain significance. Last evaluated: 2021-03-03. Review status: criteria provided, single submitter. Criteria: GeneDx Variant Classification Process June 2021. Collection method: clinical testing. Allele origin: germline. Affected: yes.
Comment: Not observed at a significant frequency in large population cohorts (Lek et al., 2016); In silico analysis supports that this missense variant has a deleterious effect on protein structure/function; Has not been previously published as pathogenic or benign to our knowledge

Natera, Inc.
Classification: Uncertain significance for Nemaline myopathy type 2. Last evaluated: 2021-06-22. Review status: no assertion criteria provided. Collection method: clinical testing. Allele origin: germline. Not counted in ClinVar's aggregate classification.